The following is an entry in ClinVar:

NM_004341.5(CAD):c.2183C>T (p.Ala728Val)

Gene: CAD (carbamoyl-phosphate synthetase 2, aspartate transcarbamylase, and dihydroorotase; plus strand). Cytogenetic location: 2p23.3.
Variant type: single nucleotide variant.
Coding change: c.2183C>T on transcript NM_004341.5 (MANE Select); coding-DNA position 2183, C replaced by T.
Protein change: p.Ala728Val; replaces alanine 728 with valine.
Molecular consequence: missense variant.
Genome position (GRCh38, 1-based): chr2:27,226,858, C>T. VCF-style: chr2-27226858-C-T. GRCh37 (hg19) VCF-style: chr2-27449726-C-T.
Other names: c.1994C>T, p.Ala665Val (NM_001306079.2); short protein forms A728V, A665V.
Identifiers: ClinVar variation 1945516 (VCV001945516.6), dbSNP rs1439985478, ClinGen allele CA346208341.
Genomic context (GRCh38, chr2:27,226,858, plus strand): 5'-CTGTCCTTCTGGCATCCCACCTGCTGGACCCCAGGAACTCTGTGACAGGGGGTACAGCAG[C>T]CTTTGAACCCAGCGTGGATTATTGTGTGGTGAAGATTCCTCGATGGGACCTTAGCAAGTT-3'
Protein context (NP_004332.2, residues 718-738): LRNSVTGGTA[Ala728Val]FEPSVDYCVV

ClinVar aggregate classification (germline): Uncertain significance. Review status: criteria provided, multiple submitters, no conflicts (2 of 4 stars). 2 submissions from 2 submitters: Uncertain significance (2). Last evaluated 2026-03-01.

Allele frequency attached by ClinVar (database versions not stated): TOPMed below 0.00001; gnomAD exomes 0.00001.

Submissions (2):

CeGaT Center for Human Genetics Tuebingen
Classification: Uncertain significance. Last evaluated: 2026-03-01. Review status: criteria provided, single submitter. Criteria: CeGaT Center For Human Genetics Tuebingen Variant Classification Criteria Version 2. Collection method: clinical testing. Allele origin: germline. Affected: yes. Observed: 1 variant allele.
Comment: CAD: PM2, PP3

Labcorp Genetics (formerly Invitae), Labcorp
Classification: Uncertain significance. Last evaluated: 2022-03-26. Review status: criteria provided, single submitter. Criteria: Invitae Variant Classification Sherloc (09022015). Collection method: clinical testing. Allele origin: germline.
Comment: This sequence change replaces alanine, which is neutral and non-polar, with valine, which is neutral and non-polar, at codon 728 of the CAD protein (p.Ala728Val). This variant is present in population databases (no rsID available, gnomAD 0.003%). This variant has not been reported in the literature in individuals affected with CAD-related conditions. Algorithms developed to predict the effect of missense changes on protein structure and function are either unavailable or do not agree on the potential impact of this missense change (SIFT: "Deleterious"; PolyPhen-2: "Possibly Damaging"; Align-GVGD: "Class C0"). In summary, the available evidence is currently insufficient to determine the role of this variant in disease. Therefore, it has been classified as a Variant of Uncertain Significance.